The following is an entry in ClinVar:

NM_014714.4(IFT140):c.4166A>G (p.Lys1389Arg)

Gene: IFT140 (intraflagellar transport 140; minus strand). Cytogenetic location: 16p13.3.
Variant type: single nucleotide variant.
Coding change: c.4166A>G on transcript NM_014714.4 (MANE Select); coding-DNA position 4166, A replaced by G.
Protein change: p.Lys1389Arg; replaces lysine 1389 with arginine.
Molecular consequence: missense variant.
Genome position (GRCh38, 1-based): chr16:1,518,232, T>C on the plus strand (A>G on the coding strand, the complement: IFT140 is on the minus strand). VCF-style: chr16-1518232-T-C. GRCh37 (hg19) VCF-style: chr16-1568233-T-C.
Other names: short protein forms K1389R.
Identifiers: ClinVar variation 2730998 (VCV002730998.3), dbSNP rs2040420209, ClinGen allele CA394223580.

ClinVar aggregate classification (germline): Uncertain significance (1 of 4 stars; one submission).

Conditions:
Saldino-Mainzer syndrome (SRTD9). Also called: CONORENAL SYNDROME; Renal dysplasia, retinal pigmentary dystrophy, cerebellar ataxia and skeletal dysplasia; SHORT-RIB THORACIC DYSPLASIA 9 WITHOUT POLYDACTYLY; short-rib thoracic dysplasia 9 with or without polydactyly. Identifiers: Orphanet 140969, MedGen C1849437, MONDO:0009964, OMIM 266920.

Submission:

Labcorp Genetics (formerly Invitae), Labcorp
Classification: Uncertain significance for Saldino-Mainzer syndrome. Last evaluated: 2023-07-17. Review status: criteria provided, single submitter. Criteria: Invitae Variant Classification Sherloc (09022015). Collection method: clinical testing. Allele origin: germline.
Comment: This variant is not present in population databases (gnomAD no frequency). In summary, the available evidence is currently insufficient to determine the role of this variant in disease. Therefore, it has been classified as a Variant of Uncertain Significance. Advanced modeling of protein sequence and biophysical properties (such as structural, functional, and spatial information, amino acid conservation, physicochemical variation, residue mobility, and thermodynamic stability) performed at Invitae indicates that this missense variant is not expected to disrupt IFT140 protein function. This variant has not been reported in the literature in individuals affected with IFT140-related conditions. This sequence change replaces lysine, which is basic and polar, with arginine, which is basic and polar, at codon 1389 of the IFT140 protein (p.Lys1389Arg).